The following is an entry in ClinVar:

NM_017654.4(SAMD9):c.4601C>G (p.Ala1534Gly)

Gene: SAMD9 (sterile alpha motif domain containing 9; minus strand). Cytogenetic location: 7q21.2.
Variant type: single nucleotide variant.
Coding change: c.4601C>G on transcript NM_017654.4 (MANE Select); coding-DNA position 4601, C replaced by G.
Protein change: p.Ala1534Gly; replaces alanine 1534 with glycine.
Molecular consequence: missense variant.
Genome position (GRCh38, 1-based): chr7:93,101,497, G>C on the plus strand (C>G on the coding strand, the complement: SAMD9 is on the minus strand). VCF-style: chr7-93101497-G-C. GRCh37 (hg19) VCF-style: chr7-92730810-G-C.
Other names: c.4601C>G, p.Ala1534Gly (NM_001193307.2); short protein forms A1534G.
Identifiers: ClinVar variation 4772111 (VCV004772111.1).

ClinVar aggregate classification (germline): Uncertain significance (1 of 4 stars; one submission).

Submission:

Labcorp Genetics (formerly Invitae), Labcorp
Classification: Uncertain significance. Last evaluated: 2025-12-22. Review status: criteria provided, single submitter. Criteria: Invitae Variant Classification Sherloc (09022015). Collection method: clinical testing. Allele origin: germline.
Comment: This sequence change replaces alanine, which is neutral and non-polar, with glycine, which is neutral and non-polar, at codon 1534 of the SAMD9 protein (p.Ala1534Gly). This variant is not present in population databases (gnomAD no frequency). This variant has not been reported in the literature in individuals affected with SAMD9-related conditions. Invitae Evidence Modeling of protein sequence and biophysical properties (such as structural, functional, and spatial information, amino acid conservation, physicochemical variation, residue mobility, and thermodynamic stability) indicates that this missense variant is not expected to disrupt SAMD9 protein function with a negative predictive value of 95%. Algorithms developed to predict the effect of sequence changes on RNA splicing suggest that this variant may create or strengthen a splice site. In summary, the available evidence is currently insufficient to determine the role of this variant in disease. Therefore, it has been classified as a Variant of Uncertain Significance.